The following is an entry in ClinVar:

NM_001135649.3(FOXI3):c.433C>T (p.Arg145Trp)

Gene: FOXI3 (forkhead box I3; minus strand). Cytogenetic location: 2p11.2.
Variant type: single nucleotide variant.
Coding change: c.433C>T on transcript NM_001135649.3 (MANE Select); coding-DNA position 433, C replaced by T.
Protein change: p.Arg145Trp; replaces arginine 145 with tryptophan.
Molecular consequence: missense variant.
Genome position (GRCh38, 1-based): chr2:88,452,103, G>A on the plus strand (C>T on the coding strand, the complement: FOXI3 is on the minus strand). VCF-style: chr2-88452103-G-A. GRCh37 (hg19) VCF-style: chr2-88751622-G-A.
Other names: short protein forms R145W.
Identifiers: ClinVar variation 2847578 (VCV002847578.3), dbSNP rs1676058005, ClinGen allele CA347766358.

ClinVar aggregate classification (germline): Uncertain significance (1 of 4 stars; one submission).

Submission:

Labcorp Genetics (formerly Invitae), Labcorp
Classification: Uncertain significance. Last evaluated: 2023-03-19. Review status: criteria provided, single submitter. Criteria: Invitae Variant Classification Sherloc (09022015). Collection method: clinical testing. Allele origin: germline.
Comment: This sequence change replaces arginine, which is basic and polar, with tryptophan, which is neutral and slightly polar, at codon 145 of the FOXI3 protein (p.Arg145Trp). This variant is not present in population databases (gnomAD no frequency). This variant has not been reported in the literature in individuals affected with FOXI3-related conditions. Experimental studies and prediction algorithms are not available or were not evaluated, and the functional significance of this variant is currently unknown. In summary, the available evidence is currently insufficient to determine the role of this variant in disease. Therefore, it has been classified as a Variant of Uncertain Significance.